The following is an entry in ClinVar:

ClinVar aggregate classification (germline): Uncertain significance (1 of 4 stars; one submission).

Conditions:
Ocular motility disease. Identifiers: MedGen C0028850, MONDO:0001584.

Allele frequency attached by ClinVar (database versions not stated): ExAC 0.00001; gnomAD 0.00001; 1000 Genomes Project 30x 0.00016; 1000 Genomes Project 0.00020.
gnomAD v4.1: 14 of 1,614,136 alleles (0.00087%); highest among the groups gnomAD compares: South Asian, 0.0033%; no homozygotes.

Submission:

Broad Center for Mendelian Genomics, Broad Institute of MIT and Harvard
Classification: Uncertain significance for Ocular motility disease. Last evaluated: 2024-02-26. Review status: criteria provided, single submitter. Criteria: ACMG Guidelines, 2015. Collection method: curation. Allele origin: germline. Inheritance: Autosomal dominant inheritance.
Comment: Trio exome analysis showed this variant to be de novo. While this gene is still lacking sufficient evidence to establish a gene-disease association, we believe this is a possible novel gene candidate for congenital cranial dysinnervation disorders. Given the limited information about this gene-disease relationship, the significance of the p.Arg490Gln variant is uncertain. If you have any additional information about functional evidence or other individuals with this phenotype that also have variants in KLB we encourage you to reach out to the Engle Lab.

NM_175737.4(KLB):c.1469G>A (p.Arg490Gln)

Gene: KLB (klotho beta; plus strand). Cytogenetic location: 4p14.
Variant type: single nucleotide variant.
Coding change: c.1469G>A on transcript NM_175737.4 (MANE Select); coding-DNA position 1469, G replaced by A.
Protein change: p.Arg490Gln; replaces arginine 490 with glutamine.
Molecular consequence: missense variant.
Genome position (GRCh38, 1-based): chr4:39,437,859, G>A. VCF-style: chr4-39437859-G-A. GRCh37 (hg19) VCF-style: chr4-39439479-G-A.
Other names: NM_175737.4:c.1469G>A; short protein forms R490Q.
Identifiers: ClinVar variation 3024414 (VCV003024414.1), dbSNP rs567666148, ClinGen allele CA2893835.
Genomic context (GRCh38, chr4:39,437,859, plus strand): 5'-ATGCTTACACCATCCGCCGAGGATTATTTTATGTGGATTTTAACAGTAAACAGAAAGAGC[G>A]GAAACCTAAGTCTTCAGCACACTACTACAAACAGATCATACGAGAAAATGGTTTTTCTTT-3'
Protein context (NP_783864.1, residues 480-500): YVDFNSKQKE[Arg490Gln]KPKSSAHYYK